The following is an entry in ClinVar:

NM_173502.5(PRSS36):c.2520G>T (p.Pro840=)

Gene: PRSS36 (serine protease 36; minus strand). Cytogenetic location: 16p11.2.
Variant type: single nucleotide variant.
Coding change: c.2520G>T on transcript NM_173502.5 (MANE Select); coding-DNA position 2520, G replaced by T.
Protein change: p.Pro840=; no amino-acid change (proline 840 retained).
Molecular consequence: synonymous variant.
Genome position (GRCh38, 1-based): chr16:31,139,186, C>A on the plus strand (G>T on the coding strand, the complement: PRSS36 is on the minus strand). VCF-style: chr16-31139186-C-A. GRCh37 (hg19) VCF-style: chr16-31150507-C-A.
Other names: c.2505G>T, p.Pro835= (NM_001258290.2); c.2211G>T, p.Pro737= (NM_001258291.2).
Identifiers: ClinVar variation 2646471 (VCV002646471.24), dbSNP rs769045823, ClinGen allele CA8022569.
Genomic context (GRCh38, chr16:31,139,186, plus strand): 5'-GACCCTAGCCCCTCAGCTCTGGATCAGGAGAGTCAGCAGGAGCAGGAAGTAGACTGCATG[C>A]GGGGATCCCGAGGCCTTGGCCAGTTCTGGGGGGCAGAGATTGCTGCCTCCAGTGGGCCAG-3'
Protein context (NP_775773.2, residues 830-850): PPELAKASGS[Pro840=]HAVYFLLLLT

ClinVar aggregate classification (germline): Likely benign (1 of 4 stars; one submission).

Allele frequency attached by ClinVar (database versions not stated): gnomAD 0.00002.
gnomAD v4.1: 42 of 1,603,508 alleles (0.0026%); highest among the groups gnomAD compares: East Asian, 0.087%; no homozygotes.

Submission:

CeGaT Center for Human Genetics Tuebingen
Classification: Likely benign. Last evaluated: 2022-04-01. Review status: criteria provided, single submitter. Criteria: CeGaT Center For Human Genetics Tuebingen Variant Classification Criteria Version 2. Collection method: clinical testing. Allele origin: germline. Affected: yes. Observed: 1 variant allele.
Comment: PRSS36: BP4, BP7